The following is an entry in ClinVar:

ClinVar aggregate classification (germline): Uncertain significance (1 of 4 stars; one submission).

gnomAD v4.1: 3 of 1,603,712 alleles (0.00019%); highest among the groups gnomAD compares: African/African-American, 0.0013%; no homozygotes.

Submission:

Ambry Genetics
Classification: Uncertain significance. Last evaluated: 2023-03-15. Review status: criteria provided, single submitter. Criteria: Ambry Variant Classification Scheme 2023. Collection method: clinical testing. Allele origin: germline.
Comment: The p.G1226A variant (also known as c.3677G>C), located in coding exon 31 of the PRKDC gene, results from a G to C substitution at nucleotide position 3677. The glycine at codon 1226 is replaced by alanine, an amino acid with similar properties. This amino acid position is conserved. In addition, the in silico prediction for this alteration is inconclusive. Since supporting evidence is limited at this time, the clinical significance of this alteration remains unclear.

NM_006904.7(PRKDC):c.3677G>C (p.Gly1226Ala)

Gene: PRKDC (protein kinase, DNA-activated, catalytic subunit; minus strand). Cytogenetic location: 8q11.21.
Variant type: single nucleotide variant.
Coding change: c.3677G>C on transcript NM_006904.7 (MANE Select); coding-DNA position 3677, G replaced by C.
Protein change: p.Gly1226Ala; replaces glycine 1226 with alanine.
Molecular consequence: missense variant.
Genome position (GRCh38, 1-based): chr8:47,893,309, C>G on the plus strand (G>C on the coding strand, the complement: PRKDC is on the minus strand). VCF-style: chr8-47893309-C-G. GRCh37 (hg19) VCF-style: chr8-48805869-C-G.
Other names: c.3677G>C, p.Gly1226Ala (NM_001081640.2); short protein forms G1226A.
Identifiers: ClinVar variation 2560665 (VCV002560665.2), dbSNP rs1168875123, ClinGen allele CA371150809.